The following is an entry in ClinVar:

ClinVar aggregate classification (germline): Likely benign (1 of 4 stars; one submission).

Conditions:
PKHD1-related disorder. Also called: PKHD1-related condition.

gnomAD v4.1: 1 of 1,610,394 alleles (0.000062%); highest among the groups gnomAD compares: Non-Finnish European, 0.000085%; no homozygotes.

Submission:

PreventionGenetics, part of Exact Sciences
Classification: Likely benign for PKHD1-related condition. Last evaluated: 2025-05-12. Review status: criteria provided, single submitter. Criteria: ACMG Guidelines, 2015. Collection method: clinical testing. Allele origin: germline.
Comment: This variant is classified as likely benign based on ACMG/AMP sequence variant interpretation guidelines (Richards et al. 2015 PMID: 25741868, with internal and published modifications).

NM_138694.4(PKHD1):c.7368A>G (p.Ser2456=)

Gene: PKHD1 (PKHD1 ciliary IPT domain containing fibrocystin/polyductin; minus strand). Cytogenetic location: 6p12.2.
Variant type: single nucleotide variant.
Coding change: c.7368A>G on transcript NM_138694.4 (MANE Select); coding-DNA position 7368, A replaced by G.
Protein change: p.Ser2456=; no amino-acid change (serine 2456 retained).
Molecular consequence: synonymous variant.
Genome position (GRCh38, 1-based): chr6:51,870,622, T>C on the plus strand (A>G on the coding strand, the complement: PKHD1 is on the minus strand). VCF-style: chr6-51870622-T-C. GRCh37 (hg19) VCF-style: chr6-51735420-T-C.
Other names: c.7368A>G, p.Ser2456= (NM_170724.3).
Identifiers: ClinVar variation 5000338 (VCV005000338.1).